The following is an entry in ClinVar:

NM_022436.3(ABCG5):c.1097C>G (p.Ser366Cys)

Genes: ABCG5 (ATP binding cassette subfamily G member 5; minus strand), DYNC2LI1 (dynein cytoplasmic 2 light intermediate chain 1; plus strand). Cytogenetic location: 2p21.
Variant type: single nucleotide variant.
Coding change: c.1097C>G on transcript NM_022436.3 (MANE Select); coding-DNA position 1097, C replaced by G.
Protein change: p.Ser366Cys; replaces serine 366 with cysteine.
Molecular consequence: missense variant. On other transcripts: intron variant (2).
Genome position (GRCh38, 1-based): chr2:43,824,240, G>C on the plus strand (C>G on the coding strand, the complement: ABCG5 is on the minus strand). VCF-style: chr2-43824240-G-C. GRCh37 (hg19) VCF-style: chr2-44051379-G-C.
Other names: c.*16-3146G>C (NM_001348913.2, NM_001348912.2); short protein forms S366C.
Identifiers: ClinVar variation 4987028 (VCV004987028.1).

ClinVar aggregate classification (germline): Uncertain significance (1 of 4 stars; one submission).

Conditions:
ABCG5-related disorder. Also called: ABCG5-related condition.

gnomAD v4.1: 1 of 1,614,238 alleles (0.000062%); highest among the groups gnomAD compares: Admixed American, 0.0017%; no homozygotes.

Submission:

PreventionGenetics, part of Exact Sciences
Classification: Uncertain significance for ABCG5-related condition. Last evaluated: 2024-12-11. Review status: criteria provided, single submitter. Criteria: ACMG Guidelines, 2015. Collection method: clinical testing. Allele origin: germline.
Comment: The ABCG5 c.1097C>G variant is predicted to result in the amino acid substitution p.Ser366Cys. To our knowledge, this variant has not been reported in the literature. This variant is reported in 0.0029% of alleles in individuals of Latino descent in gnomAD. At this time, the clinical significance of this variant is uncertain due to the absence of conclusive functional and genetic evidence.